The following is an entry in ClinVar:

ClinVar aggregate classification (germline): Benign. Review status: criteria provided, multiple submitters, no conflicts (2 of 4 stars). 8 submissions from 8 submitters: Benign (6). 2 of the submissions do not count toward it. Last evaluated 2026-02-04.

Conditions:
Parkinsonian-pyramidal syndrome. Also called: PALLIDOPYRAMIDAL SYNDROME; PARKINSON DISEASE 15, AUTOSOMAL RECESSIVE EARLY-ONSET; PARKINSON DISEASE 15, AUTOSOMAL RECESSIVE. Identifiers: Orphanet 171695, MedGen C1850100, MONDO:0009830, OMIM 260300.

Allele frequency attached by ClinVar (database versions not stated): ESP Exome Variant Server 0.37221; gnomAD exomes 0.40140 and 0.45254; gnomAD 0.40979 and 0.41704; TOPMed 0.41807; ExAC 0.43995; 1000 Genomes Project 30x 0.48517; 1000 Genomes Project 0.48762.
gnomAD v4.1: 648,192 of 1,606,990 alleles (40%); highest among the groups gnomAD compares: East Asian, 73%; 136,332 homozygotes.

Submissions (8):

Labcorp Genetics (formerly Invitae), Labcorp
Classification: Benign for Parkinsonian-pyramidal syndrome. Last evaluated: 2026-02-04. Review status: criteria provided, single submitter. Criteria: Invitae Variant Classification Sherloc (09022015). Collection method: clinical testing. Allele origin: germline.

Mayo Clinic Laboratories, Mayo Clinic
Classification: Benign. Last evaluated: 2022-03-24. Review status: criteria provided, single submitter. Criteria: ACMG Guidelines, 2015. Collection method: clinical testing. Allele origin: germline. Observed: 391 variant alleles.

GeneDx
Classification: Benign. Last evaluated: 2018-08-17. Review status: criteria provided, single submitter. Criteria: GeneDx Variant Classification Process June 2021. Collection method: clinical testing. Allele origin: germline. Affected: yes.

Illumina Laboratory Services, Illumina
Classification: Benign for Parkinsonian-pyramidal syndrome. Last evaluated: 2018-01-13. Review status: criteria provided, single submitter. Criteria: ICSL Variant Classification Criteria 13 December 2019. Collection method: clinical testing. Allele origin: germline.
Comment: This variant was observed in the ICSL laboratory as part of a predisposition screen in an ostensibly healthy population. It had not been previously curated by ICSL or reported in the Human Gene Mutation Database (HGMD: prior to June 1st, 2018), and was therefore a candidate for classification through an automated scoring system. Utilizing variant allele frequency, disease prevalence and penetrance estimates, and inheritance mode, an automated score was calculated to assess if this variant is too frequent to cause the disease. Based on the score and internal cut-off values, a variant classified as benign is not then subjected to further curation. The score for this variant resulted in a classification of benign for this disease.

Clinical Genetics DNA and cytogenetics Diagnostics Lab, Erasmus MC, Erasmus Medical Center
Classification: Benign for Parkinsonian-pyramidal syndrome. Last evaluated: 2015-09-21. Review status: criteria provided, single submitter. Criteria: ACGS Guidelines, 2013. Collection method: clinical testing. Allele origin: germline. Affected: yes. Study: VKGL Data-share Consensus.

Breakthrough Genomics
Classification: Benign. Review status: criteria provided, single submitter. Criteria: ACMG Guidelines, 2015. Collection method: not provided. Allele origin: germline. Inheritance: Autosomal recessive inheritance. Affected: yes.

Genome Diagnostics Laboratory, Amsterdam University Medical Center
Classification: Benign for Parkinsonian-pyramidal syndrome. Last evaluated: 2016-03-28. Review status: no assertion criteria provided. Criteria: ACGS Guidelines, 2013. Collection method: clinical testing. Allele origin: germline. Affected: yes. Study: VKGL Data-share Consensus. Not counted in ClinVar's aggregate classification.

Diagnostic Laboratory, Department of Genetics, University Medical Center Groningen
Classification: Benign for Parkinsonian-pyramidal syndrome. Review status: no assertion criteria provided. Collection method: clinical testing. Allele origin: germline. Affected: yes. Study: VKGL Data-share Consensus. Not counted in ClinVar's aggregate classification.

NM_012179.4(FBXO7):c.949C>T (p.Leu317=)

Gene: FBXO7 (F-box protein 7; plus strand). Cytogenetic location: 22q12.3.
Variant type: single nucleotide variant.
Coding change: c.949C>T on transcript NM_012179.4 (MANE Select); coding-DNA position 949, C replaced by T.
Protein change: p.Leu317=; no amino-acid change (leucine 317 retained).
Molecular consequence: synonymous variant.
Genome position (GRCh38, 1-based): chr22:32,491,163, C>T. VCF-style: chr22-32491163-C-T. GRCh37 (hg19) VCF-style: chr22-32887150-C-T.
Other names: p.Leu317=; c.712C>T, p.Leu238= (NM_001033024.2); c.607C>T, p.Leu203= (NM_001257990.2).
Identifiers: ClinVar variation 341314 (VCV000341314.21), dbSNP rs9726, ClinGen allele CA10201583.